The following is an entry in ClinVar:

NM_058216.3(RAD51C):c.481G>C (p.Glu161Gln)

Gene: RAD51C (RAD51 paralog C; plus strand). Cytogenetic location: 17q22.
Variant type: single nucleotide variant.
Coding change: c.481G>C on transcript NM_058216.3 (MANE Select); coding-DNA position 481, G replaced by C.
Protein change: p.Glu161Gln; replaces glutamic acid 161 with glutamine.
Molecular consequence: missense variant.
Genome position (GRCh38, 1-based): chr17:58,696,769, G>C. VCF-style: chr17-58696769-G-C. GRCh37 (hg19) VCF-style: chr17-56774130-G-C.
Other names: short protein forms E161Q.
Identifiers: ClinVar variation 490128 (VCV000490128.19), dbSNP rs768903850, ClinGen allele CA8677245.

ClinVar aggregate classification (germline): Uncertain significance. Review status: criteria provided, multiple submitters, no conflicts (2 of 4 stars). 5 submissions from 5 submitters: Uncertain significance (5). Last evaluated 2025-06-05.

Conditions:
Hereditary cancer-predisposing syndrome. Also called: Tumor predisposition; Neoplastic Syndromes, Hereditary; Hereditary Cancer Syndrome; Hereditary neoplastic syndrome. Identifiers: Orphanet 140162, MedGen C0027672, MeSH D009386, MONDO:0015356.
Fanconi anemia complementation group O. Also called: RAD51C-Related Fanconi Anemia. Identifiers: Orphanet 84, MedGen C3150653, MONDO:0013248, OMIM 613390.

Allele frequency attached by ClinVar (database versions not stated): gnomAD exomes below 0.00001 and 0.00002; TOPMed below 0.00001; ExAC 0.00002.
gnomAD v4.1: 7 of 1,614,194 alleles (0.00043%); highest among the groups gnomAD compares: South Asian, 0.0055%; no homozygotes.

Submissions (5):

GeneDx
Classification: Uncertain significance. Last evaluated: 2025-06-05. Review status: criteria provided, single submitter. Criteria: GeneDx Variant Classification Process June 2021. Collection method: clinical testing. Allele origin: germline. Affected: yes.
Comment: Not observed at significant frequency in large population cohorts (gnomAD); In silico analysis supports that this missense variant has a deleterious effect on protein structure/function; Has not been previously published as pathogenic or benign to our knowledge; This variant is associated with the following publications: (PMID: 14704354)

Ambry Genetics
Classification: Uncertain significance for Hereditary cancer-predisposing syndrome. Last evaluated: 2024-12-13. Review status: criteria provided, single submitter. Criteria: Ambry Variant Classification Scheme 2023. Collection method: clinical testing. Allele origin: germline.
Comment: The p.E161Q variant (also known as c.481G>C), located in coding exon 3 of the RAD51C gene, results from a G to C substitution at nucleotide position 481. The glutamic acid at codon 161 is replaced by glutamine, an amino acid with highly similar properties. This amino acid position is highly conserved in available vertebrate species. In addition, this alteration is predicted to be deleterious by in silico analysis. Since supporting evidence is limited at this time, the clinical significance of this alteration remains unclear.

Labcorp Genetics (formerly Invitae), Labcorp
Classification: Uncertain significance for Fanconi anemia complementation group O. Last evaluated: 2024-10-15. Review status: criteria provided, single submitter. Criteria: Invitae Variant Classification Sherloc (09022015). Collection method: clinical testing. Allele origin: germline.
Comment: This sequence change replaces glutamic acid, which is acidic and polar, with glutamine, which is neutral and polar, at codon 161 of the RAD51C protein (p.Glu161Gln). This variant is present in population databases (rs768903850, gnomAD 0.01%). This variant has not been reported in the literature in individuals affected with RAD51C-related conditions. ClinVar contains an entry for this variant (Variation ID: 490128). Invitae Evidence Modeling of protein sequence and biophysical properties (such as structural, functional, and spatial information, amino acid conservation, physicochemical variation, residue mobility, and thermodynamic stability) indicates that this missense variant is expected to disrupt RAD51C protein function with a positive predictive value of 80%. In summary, the available evidence is currently insufficient to determine the role of this variant in disease. Therefore, it has been classified as a Variant of Uncertain Significance.

Sema4
Classification: Uncertain significance for Hereditary cancer-predisposing syndrome. Last evaluated: 2021-11-18. Review status: criteria provided, single submitter. Criteria: Sema4 Curation Guidelines. Collection method: curation. Allele origin: germline.
Comment: To the best of our knowledge, the RAD51C c.481G>C (p.E161Q) variant has not been reported in individuals with RAD51C-related disease. It has been reported in at least one healthy control in a breast cancer study (PMID: 33471991). It was observed in 4/30616 chromosomes of the South Asian subpopulation in the large and broad cohorts of the Genome Aggregation Database (PMID: 32461654). The variant has been reported in ClinVar (Variation ID: 490128). In silico tools suggest the impact of the variant on protein function is deleterious, though these predictions have not been confirmed by functional studies. The evidence is insufficient to meet ACMG/AMP criteria for classifying the variant as benign or pathogenic. Thus, the clinical significance of this variant is currently uncertain.

Color Diagnostics, LLC DBA Color Health
Classification: Uncertain significance for Hereditary cancer-predisposing syndrome. Last evaluated: 2018-12-13. Review status: criteria provided, single submitter. Criteria: ACMG Guidelines, 2015. Collection method: clinical testing. Allele origin: germline.

Literature cited by the submitters: PubMed 33471991 (cited by Sema4).